The following is an entry in ClinVar:

ClinVar aggregate classification (germline): Uncertain significance. Review status: criteria provided, multiple submitters, no conflicts (2 of 4 stars). 2 submissions from 2 submitters: Uncertain significance (2). Last evaluated 2025-12-13.

Conditions:
Inborn genetic diseases. Identifiers: MedGen C0950123, MeSH D030342.
Atrial fibrillation, familial, 7 (ATFB7). Identifiers: MedGen C2677106, MONDO:0012828, OMIM 612240.

Allele frequency attached by ClinVar (database versions not stated): gnomAD exomes below 0.00001; ExAC 0.00001; gnomAD 0.00001; TOPMed 0.00002.

Submissions (2):

Labcorp Genetics (formerly Invitae), Labcorp
Classification: Uncertain significance for Atrial fibrillation, familial, 7. Last evaluated: 2025-12-13. Review status: criteria provided, single submitter. Criteria: Invitae Variant Classification Sherloc (09022015). Collection method: clinical testing. Allele origin: germline.
Comment: This sequence change replaces proline, which is neutral and non-polar, with threonine, which is neutral and polar, at codon 582 of the KCNA5 protein (p.Pro582Thr). This variant is not present in population databases (gnomAD no frequency). This variant has not been reported in the literature in individuals affected with KCNA5-related conditions. ClinVar contains an entry for this variant (Variation ID: 1501884). An algorithm developed to predict the effect of missense changes on protein structure and function (PolyPhen-2) suggests that this variant is likely to be tolerated. In summary, the available evidence is currently insufficient to determine the role of this variant in disease. Therefore, it has been classified as a Variant of Uncertain Significance.

Ambry Genetics
Classification: Uncertain significance for Inborn genetic diseases. Last evaluated: 2025-10-22. Review status: criteria provided, single submitter. Criteria: Ambry Variant Classification Scheme 2023. Collection method: clinical testing. Allele origin: germline.

NM_002234.4(KCNA5):c.1744C>A (p.Pro582Thr)

Gene: KCNA5 (potassium voltage-gated channel subfamily A member 5; plus strand). Cytogenetic location: 12p13.32.
Variant type: single nucleotide variant.
Coding change: c.1744C>A on transcript NM_002234.4 (MANE Select); coding-DNA position 1744, C replaced by A.
Protein change: p.Pro582Thr; replaces proline 582 with threonine.
Molecular consequence: missense variant.
Genome position (GRCh38, 1-based): chr12:5,045,891, C>A. VCF-style: chr12-5045891-C-A. GRCh37 (hg19) VCF-style: chr12-5155057-C-A.
Other names: c.1744C>A (NM_002234.2); short protein forms P582T.
Identifiers: ClinVar variation 1501884 (VCV001501884.9), dbSNP rs749967376, ClinGen allele CA6399940.